The following is an entry in ClinVar:

ClinVar aggregate classification (germline): Uncertain significance. Review status: criteria provided, multiple submitters, no conflicts (2 of 4 stars). 2 submissions from 2 submitters: Uncertain significance (2). Last evaluated 2026-04-14.

Conditions:
Familial intrahepatic cholestasis. Identifiers: Orphanet 284385, MedGen CN296401, MONDO:0017290.

gnomAD v4.1: 24 of 1,613,978 alleles (0.0015%); highest among the groups gnomAD compares: Non-Finnish European, 0.0018%; no homozygotes.

Submissions (2):

Genomenon, Inc
Classification: Uncertain significance for Familial intrahepatic cholestasis. Last evaluated: 2026-04-14. Review status: criteria provided, single submitter. Criteria: Genomenon Sequence Variant Interpretation Standards - Updated. Collection method: curation. Allele origin: germline. Affected: yes.
Comment: ABCB4 p.Glu1128Lys (c.3382G>A) is a missense variant that changes the amino acid at residue 1128 from Glutamic acid to Lysine. This variant has been observed in at least one proband with an ABCB4-related disorder (PMID:34828443). It is absent or not present at a significant frequency in gnomAD. In silico models predict that this variant is possibly or probably damaging. In conclusion, we classify ABCB4 p.Glu1128Lys (c.3382G>A) as a variant of uncertain significance.

Labcorp Genetics (formerly Invitae), Labcorp
Classification: Uncertain significance. Last evaluated: 2025-12-15. Review status: criteria provided, single submitter. Criteria: Invitae Variant Classification Sherloc (09022015). Collection method: clinical testing. Allele origin: germline.
Comment: This sequence change replaces glutamic acid, which is acidic and polar, with lysine, which is basic and polar, at codon 1128 of the ABCB4 protein (p.Glu1128Lys). This variant is present in population databases (rs763114832, gnomAD 0.002%). This variant has not been reported in the literature in individuals affected with ABCB4-related conditions. Invitae Evidence Modeling of protein sequence and biophysical properties (such as structural, functional, and spatial information, amino acid conservation, physicochemical variation, residue mobility, and thermodynamic stability) indicates that this missense variant is not expected to disrupt ABCB4 protein function with a negative predictive value of 80%. In summary, the available evidence is currently insufficient to determine the role of this variant in disease. Therefore, it has been classified as a Variant of Uncertain Significance.

Literature cited by the submitters: PubMed 34828443 (cited by Genomenon, Inc).

NM_000443.4(ABCB4):c.3382G>A (p.Glu1128Lys)

Gene: ABCB4 (ATP binding cassette subfamily B member 4; minus strand). Cytogenetic location: 7q21.12.
Variant type: single nucleotide variant.
Coding change: c.3382G>A on transcript NM_000443.4 (MANE Select); coding-DNA position 3382, G replaced by A.
Protein change: p.Glu1128Lys; replaces glutamic acid 1128 with lysine.
Molecular consequence: missense variant.
Genome position (GRCh38, 1-based): chr7:87,406,392, C>T on the plus strand (G>A on the coding strand, the complement: ABCB4 is on the minus strand). VCF-style: chr7-87406392-C-T. GRCh37 (hg19) VCF-style: chr7-87035708-C-T.
Other names: c.3403G>A, p.Glu1135Lys (NM_018849.3); c.3241G>A, p.Glu1081Lys (NM_018850.3); short protein forms E1135K, E1128K, E1081K.
Identifiers: ClinVar variation 4699217 (VCV004699217.2).